The following is an entry in ClinVar:

NM_001042492.3(NF1):c.6800T>C (p.Ile2267Thr)

Gene: NF1 (neurofibromin 1; plus strand). Cytogenetic location: 17q11.2.
Variant type: single nucleotide variant.
Coding change: c.6800T>C on transcript NM_001042492.3 (MANE Select); coding-DNA position 6800, T replaced by C.
Protein change: p.Ile2267Thr; replaces isoleucine 2267 with threonine.
Molecular consequence: missense variant.
Genome position (GRCh38, 1-based): chr17:31,338,120, T>C. VCF-style: chr17-31338120-T-C. GRCh37 (hg19) VCF-style: chr17-29665138-T-C.
Other names: c.6737T>C, p.Ile2246Thr (NM_000267.4); short protein forms I2267T, I2246T.
Identifiers: ClinVar variation 484035 (VCV000484035.8), dbSNP rs1555534957, ClinGen allele CA399014185.

ClinVar aggregate classification (germline): Uncertain significance. Review status: criteria provided, multiple submitters, no conflicts (2 of 4 stars). 3 submissions from 3 submitters: Uncertain significance (3). Last evaluated 2024-11-10.

Conditions:
Cardiovascular phenotype. Identifiers: MedGen CN230736.
Hereditary cancer-predisposing syndrome. Also called: Hereditary neoplastic syndrome; Neoplastic Syndromes, Hereditary; Tumor predisposition; Hereditary Cancer Syndrome. Identifiers: Orphanet 140162, MedGen C0027672, MeSH D009386, MONDO:0015356.
Neurofibromatosis, type 1 (NF1). Also called: VON RECKLINGHAUSEN DISEASE; Peripheral type neurofibromatosis; NEUROFIBROMATOSIS, TYPE I, SOMATIC; Neurofibromatosis, type I. Identifiers: Orphanet 636, MedGen C0027831, MONDO:0018975, OMIM 162200. Disease mechanism: loss of function.

Submissions (3):

Labcorp Genetics (formerly Invitae), Labcorp
Classification: Uncertain significance for Neurofibromatosis, type 1. Last evaluated: 2024-11-10. Review status: criteria provided, single submitter. Criteria: Invitae Variant Classification Sherloc (09022015). Collection method: clinical testing. Allele origin: germline.
Comment: This sequence change replaces isoleucine, which is neutral and non-polar, with threonine, which is neutral and polar, at codon 2246 of the NF1 protein (p.Ile2246Thr). This variant is not present in population databases (gnomAD no frequency). This variant has not been reported in the literature in individuals affected with NF1-related conditions. ClinVar contains an entry for this variant (Variation ID: 484035). Invitae Evidence Modeling of protein sequence and biophysical properties (such as structural, functional, and spatial information, amino acid conservation, physicochemical variation, residue mobility, and thermodynamic stability) has been performed for this missense variant. However, the output from this modeling did not meet the statistical confidence thresholds required to predict the impact of this variant on NF1 protein function. In summary, the available evidence is currently insufficient to determine the role of this variant in disease. Therefore, it has been classified as a Variant of Uncertain Significance.

GeneDx
Classification: Uncertain significance. Last evaluated: 2024-08-06. Review status: criteria provided, single submitter. Criteria: GeneDx Variant Classification Process June 2021. Collection method: clinical testing. Allele origin: germline. Affected: yes.
Comment: Not observed at significant frequency in large population cohorts (gnomAD); In silico analysis supports that this missense variant has a deleterious effect on protein structure/function; Has not been previously published as pathogenic or benign to our knowledge

Ambry Genetics
Classification: Uncertain significance for Cardiovascular phenotype; Hereditary cancer-predisposing syndrome. Last evaluated: 2016-04-27. Review status: criteria provided, single submitter. Criteria: Ambry Variant Classification Scheme 2023. Collection method: clinical testing. Allele origin: germline.
Comment: The p.I2246T variant (also known as c.6737T>C), located in coding exon 44 of the NF1 gene, results from a T to C substitution at nucleotide position 6737. The isoleucine at codon 2246 is replaced by threonine, an amino acid with similar properties. This variant was not reported in population based cohorts in the following databases: Database of Single Nucleotide Polymorphisms (dbSNP), NHLBI Exome Sequencing Project (ESP), and 1000 Genomes Project. In the ESP, this variant was not observed in 6503 samples (13006 alleles) with coverage at this position. To date, this alteration has been detected with an allele frequency of approximately 0.001% (greater than 110000 alleles tested) in our clinical cohort. This amino acid position is highly conserved in available vertebrate species. In addition, this alteration is predicted to be deleterious by in silico analysis. Since supporting evidence is limited at this time, the clinical significance of this alteration remains unclear.